The following is an entry in ClinVar:

NM_000069.3(CACNA1S):c.1151-6C>A

Gene: CACNA1S (calcium voltage-gated channel subunit alpha1 S; minus strand). Cytogenetic location: 1q32.1.
Variant type: single nucleotide variant.
Coding change: c.1151-6C>A on transcript NM_000069.3 (MANE Select); 6 bases into the intron before coding-DNA position 1151, C replaced by A.
Molecular consequence: intron variant.
Genome position (GRCh38, 1-based): chr1:201,085,037, G>T on the plus strand (C>A on the coding strand, the complement: CACNA1S is on the minus strand). VCF-style: chr1-201085037-G-T. GRCh37 (hg19) VCF-style: chr1-201054165-G-T.
Identifiers: ClinVar variation 3386392 (VCV003386392.1).

ClinVar aggregate classification (germline): Likely benign (1 of 4 stars; one submission).

Conditions:
Malignant hyperthermia, susceptibility to, 5 (MHS5). Also called: CACNA1S-Related Malignant Hyperthermia Susceptibility. Identifiers: Orphanet 423, MedGen C1866077, MONDO:0011163, OMIM 601887.

gnomAD v4.1: 2 of 1,605,880 alleles (0.00012%); highest among the groups gnomAD compares: Non-Finnish European, 0.00017%; no homozygotes.

Submission:

All of Us Research Program, National Institutes of Health
Classification: Likely benign for Malignant hyperthermia, susceptibility to, 5. Last evaluated: 2024-07-29. Review status: criteria provided, single submitter. Criteria: ACMG Guidelines, 2015. Collection method: clinical testing. Allele origin: germline. Inheritance: Autosomal dominant inheritance. Observed: 2 variant alleles, 2 heterozygotes.
Comment: This study involves interpretation of variants in research participants for the purpose of population health screening. Participant phenotype was not available at the time of variant classification. Additional details can be found in publication PMID: 35346344, PMCID: PMC8962531